The following is an entry in ClinVar:

NM_003611.3(OFD1):c.2600G>T (p.Ser867Ile)

Gene: OFD1 (OFD1 centriole and centriolar satellite protein; plus strand). Cytogenetic location: Xp22.2.
Variant type: single nucleotide variant.
Coding change: c.2600G>T on transcript NM_003611.3 (MANE Select); coding-DNA position 2600, G replaced by T.
Protein change: p.Ser867Ile; replaces serine 867 with isoleucine.
Molecular consequence: missense variant.
Genome position (GRCh38, 1-based): chrX:13,767,127, G>T. VCF-style: chrX-13767127-G-T. GRCh37 (hg19) VCF-style: chrX-13785246-G-T.
Other names: c.2480G>T, p.Ser827Ile (NM_001330209.2); c.2180G>T, p.Ser727Ile (NM_001330210.2); short protein forms S727I, S827I, S867I.
Identifiers: ClinVar variation 3755730 (VCV003755730.2).

ClinVar aggregate classification (germline): Uncertain significance (1 of 4 stars; one submission).

Conditions:
Joubert syndrome. Also called: CEREBELLOPARENCHYMAL DISORDER IV; JOUBERT-BOLTSHAUSER SYNDROME; Familial aplasia of the vermis. Identifiers: Orphanet 475, MedGen C5979921, MONDO:0018772.
Orofaciodigital syndrome I (OFD1). Also called: OFDS I; Papillon-Leage and Psaume Syndrome; Oral-Facial-Digital Syndrome Type I. Identifiers: Orphanet 2750, MedGen C1510460, MONDO:0010702, OMIM 311200.

Submission:

Labcorp Genetics (formerly Invitae), Labcorp
Classification: Uncertain significance for Orofaciodigital syndrome I; Joubert syndrome. Last evaluated: 2024-05-01. Review status: criteria provided, single submitter. Criteria: Invitae Variant Classification Sherloc (09022015). Collection method: clinical testing. Allele origin: germline.
Comment: This sequence change replaces serine, which is neutral and polar, with isoleucine, which is neutral and non-polar, at codon 867 of the OFD1 protein (p.Ser867Ile). This variant is not present in population databases (gnomAD no frequency). This variant has not been reported in the literature in individuals affected with OFD1-related conditions. An algorithm developed to predict the effect of missense changes on protein structure and function (PolyPhen-2) suggests that this variant is likely to be disruptive. In summary, the available evidence is currently insufficient to determine the role of this variant in disease. Therefore, it has been classified as a Variant of Uncertain Significance.